The following is an entry in ClinVar:

NM_001040167.2(LFNG):c.547G>A (p.Val183Met)

Gene: LFNG (LFNG O-fucosylpeptide 3-beta-N-acetylglucosaminyltransferase; plus strand). Cytogenetic location: 7p22.3.
Variant type: single nucleotide variant.
Coding change: c.547G>A on transcript NM_001040167.2 (MANE Select); coding-DNA position 547, G replaced by A.
Protein change: p.Val183Met; replaces valine 183 with methionine.
Molecular consequence: missense variant.
Genome position (GRCh38, 1-based): chr7:2,525,284, G>A. VCF-style: chr7-2525284-G-A. GRCh37 (hg19) VCF-style: chr7-2564918-G-A.
Other names: c.547G>A, p.Val183Met (NM_001040168.2); c.334G>A, p.Val112Met (NM_001166355.2); c.160G>A, p.Val54Met (NM_002304.3); short protein forms V112M, V183M, V54M.
Identifiers: ClinVar variation 1447245 (VCV001447245.5), dbSNP rs527357436, ClinGen allele CA4126997.

ClinVar aggregate classification (germline): Uncertain significance (1 of 4 stars; one submission).

Conditions:
Spondylocostal dysostosis 3, autosomal recessive (SCDO3). Also called: LFNG-Related Spondylocostal Dysostosis, Autosomal Recessive. Identifiers: Orphanet 2311, MedGen C1853296, MONDO:0012349, OMIM 609813.

Allele frequency attached by ClinVar (database versions not stated): gnomAD 0.00001 and 0.00004; TOPMed 0.00003; gnomAD exomes 0.00007 and 0.00010; ExAC 0.00013; 1000 Genomes Project 0.00040; 1000 Genomes Project 30x 0.00047.
gnomAD v4.1: 115 of 1,613,016 alleles (0.0071%); highest among the groups gnomAD compares: South Asian, 0.1%; no homozygotes.

Submission:

Labcorp Genetics (formerly Invitae), Labcorp
Classification: Uncertain significance for Spondylocostal dysostosis 3, autosomal recessive. Last evaluated: 2022-10-05. Review status: criteria provided, single submitter. Criteria: Invitae Variant Classification Sherloc (09022015). Collection method: clinical testing. Allele origin: germline.
Comment: This sequence change replaces valine, which is neutral and non-polar, with methionine, which is neutral and non-polar, at codon 183 of the LFNG protein (p.Val183Met). This variant is present in population databases (rs527357436, gnomAD 0.08%). This variant has not been reported in the literature in individuals affected with LFNG-related conditions. ClinVar contains an entry for this variant (Variation ID: 1447245). Advanced modeling of protein sequence and biophysical properties (such as structural, functional, and spatial information, amino acid conservation, physicochemical variation, residue mobility, and thermodynamic stability) performed at Invitae indicates that this missense variant is not expected to disrupt LFNG protein function. In summary, the available evidence is currently insufficient to determine the role of this variant in disease. Therefore, it has been classified as a Variant of Uncertain Significance.